The following is an entry in ClinVar:

ClinVar aggregate classification (germline): Uncertain significance (1 of 4 stars; one submission).

Conditions:
Neuropathy, congenital hypomyelinating, 3. Identifiers: MedGen C4748608, MONDO:0020766, OMIM 618186.

Submission:

3billion
Classification: Uncertain significance for Neuropathy, congenital hypomyelinating, 3. Last evaluated: 2024-06-20. Review status: criteria provided, single submitter. Criteria: ACMG Guidelines, 2015. Collection method: clinical testing. Allele origin: germline. Affected: yes.
Comment: The variant is not observed in the gnomAD v4.0.0 dataset. Predicted Consequence/Location: Missense variant In silico tool predictions suggest damaging effect of the variant on gene or gene product [REVEL: 0.63 (>=0.6, sensitivity 0.68 and specificity 0.92)]. Therefore, this variant is classified as VUS according to the recommendation of ACMG/AMP guideline.

NM_003632.3(CNTNAP1):c.1123C>T (p.Pro375Ser)

Gene: CNTNAP1 (contactin associated protein 1; plus strand). Cytogenetic location: 17q21.2.
Variant type: single nucleotide variant.
Coding change: c.1123C>T on transcript NM_003632.3 (MANE Select); coding-DNA position 1123, C replaced by T.
Protein change: p.Pro375Ser; replaces proline 375 with serine.
Molecular consequence: missense variant.
Genome position (GRCh38, 1-based): chr17:42,687,798, C>T. VCF-style: chr17-42687798-C-T. GRCh37 (hg19) VCF-style: chr17-40839816-C-T.
Other names: short protein forms P375S.
Identifiers: ClinVar variation 4294035 (VCV004294035.1).